The following is an entry in ClinVar:

ClinVar aggregate classification (germline): Benign/Likely benign. Review status: criteria provided, multiple submitters, no conflicts (2 of 4 stars). 23 submissions from 16 submitters: Benign (15); Likely benign (6). 2 of the submissions do not count toward it. Last evaluated 2026-02-03.

Conditions:
Cardiovascular phenotype. Identifiers: MedGen CN230736.
Dilated cardiomyopathy 1G (CMD1G). Identifiers: Orphanet 154, MedGen C1858763, MONDO:0011400, OMIM 604145.
Autosomal recessive limb-girdle muscular dystrophy type 2J (LGMDR10). Also called: MUSCULAR DYSTROPHY, LIMB-GIRDLE, AUTOSOMAL RECESSIVE 10; Limb-girdle muscular dystrophy, type 2J. Identifiers: Orphanet 140922, MedGen C1837342, MONDO:0012127, OMIM 608807.
Cardiomyopathy (CMYO). Also called: Cardiomyopathies. Identifiers: Orphanet 167848, MedGen C0878544, MONDO:0004994, HP:0001638. Inheritance: Various modes of inheritance.
Early-onset myopathy with fatal cardiomyopathy (CMYO5). Also called: CONGENITAL MYOPATHY 5 WITH CARDIOMYOPATHY; Salih Myopathy. Identifiers: Orphanet 289377, MedGen C2673677, MONDO:0012714, OMIM 611705. Disease mechanism: loss of function.
Tibial muscular dystrophy (TMD). Also called: Udd Distal Myopathy – Tibial Muscular Dystrophy; Tibial muscular dystrophy, tardive; UDD MYOPATHY. Identifiers: Orphanet 609, MedGen C1838244, MONDO:0010870, OMIM 600334.
Myopathy, myofibrillar, 9, with early respiratory failure (MFM9). Also called: Myopathy, distal, with early respiratory failure, autosomal dominant; Hereditary myopathy with early respiratory failure; MYOPATHY, PROXIMAL, WITH EARLY RESPIRATORY MUSCLE INVOLVEMENT; EDSTROM MYOPATHY. Identifiers: Orphanet 178464, Orphanet 34521, MedGen C1863599, MONDO:0011362, OMIM 603689.

Allele frequency attached by ClinVar (database versions not stated): 1000 Genomes Project 30x 0.00515; gnomAD 0.00641; ESP Exome Variant Server 0.00644; 1000 Genomes Project 0.00439; TOPMed 0.00677.
gnomAD v4.1: 1,701 of 1,613,246 alleles (0.11%); highest among the groups gnomAD compares: African/African-American, 2.1%; 16 homozygotes.

Submissions (23):

Labcorp Genetics (formerly Invitae), Labcorp
Classification: Benign for Dilated cardiomyopathy 1G; Autosomal recessive limb-girdle muscular dystrophy type 2J. Last evaluated: 2026-02-03. Review status: criteria provided, single submitter. Criteria: Invitae Variant Classification Sherloc (09022015). Collection method: clinical testing. Allele origin: germline.

ARUP Laboratories, Molecular Genetics and Genomics, ARUP Laboratories
Classification: Benign. Last evaluated: 2025-05-14. Review status: criteria provided, single submitter. Criteria: ARUP Molecular Germline Variant Investigation Process 2024. Collection method: clinical testing. Allele origin: germline.

Molecular Diagnostic Laboratory for Inherited Cardiovascular Disease, Montreal Heart Institute
Classification: Likely benign. Last evaluated: 2025-04-09. Review status: criteria provided, single submitter. Criteria: ACMG Guidelines, 2015. Collection method: clinical testing. Allele origin: germline. Affected: no.

CHEO Genetics Diagnostic Laboratory, Children's Hospital of Eastern Ontario
Classification: Benign for Cardiomyopathy. Last evaluated: 2023-05-16. Review status: criteria provided, single submitter. Criteria: ACMG Guidelines, 2015. Collection method: clinical testing. Allele origin: germline.

Mayo Clinic Laboratories, Mayo Clinic
Classification: Benign. Last evaluated: 2023-02-14. Review status: criteria provided, single submitter. Criteria: ACMG Guidelines, 2015. Collection method: clinical testing. Allele origin: germline. Observed: 23 variant alleles.
Comment: BS1, BS2

Genome-Nilou Lab
Classification: Benign for Autosomal recessive limb-girdle muscular dystrophy type 2J. Last evaluated: 2021-09-10. Review status: criteria provided, single submitter. Criteria: ACMG Guidelines, 2015. Collection method: clinical testing. Allele origin: germline. Affected: no.

Genome-Nilou Lab
Classification: Benign for Myopathy, myofibrillar, 9, with early respiratory failure. Last evaluated: 2021-09-10. Review status: criteria provided, single submitter. Criteria: ACMG Guidelines, 2015. Collection method: clinical testing. Allele origin: germline. Affected: no.

Genome-Nilou Lab
Classification: Benign for Early-onset myopathy with fatal cardiomyopathy. Last evaluated: 2021-09-10. Review status: criteria provided, single submitter. Criteria: ACMG Guidelines, 2015. Collection method: clinical testing. Allele origin: germline. Affected: no.

Genome-Nilou Lab
Classification: Benign for Tibial muscular dystrophy. Last evaluated: 2021-09-10. Review status: criteria provided, single submitter. Criteria: ACMG Guidelines, 2015. Collection method: clinical testing. Allele origin: germline. Affected: no.

Women's Health and Genetics/Laboratory Corporation of America, LabCorp
Classification: Likely benign. Last evaluated: 2021-04-15. Review status: criteria provided, single submitter. Criteria: LabCorp Variant Classification Summary - May 2015. Collection method: clinical testing. Allele origin: germline.

Athena Diagnostics
Classification: Benign. Last evaluated: 2020-09-15. Review status: criteria provided, single submitter. Criteria: Athena Diagnostics criteria. Collection method: clinical testing. Allele origin: unknown.

Illumina Laboratory Services, Illumina
Classification: Benign for Myopathy, myofibrillar, 9, with early respiratory failure. Last evaluated: 2018-01-13. Review status: criteria provided, single submitter. Criteria: ICSL Variant Classification Criteria 13 December 2019. Collection method: clinical testing. Allele origin: germline.
Comment: This variant was observed in the ICSL laboratory as part of a predisposition screen in an ostensibly healthy population. It had not been previously curated by ICSL or reported in the Human Gene Mutation Database (HGMD: prior to June 1st, 2018), and was therefore a candidate for classification through an automated scoring system. Utilizing variant allele frequency, disease prevalence and penetrance estimates, and inheritance mode, an automated score was calculated to assess if this variant is too frequent to cause the disease. Based on the score and internal cut-off values, a variant classified as benign is not then subjected to further curation. The score for this variant resulted in a classification of benign for this disease.

Illumina Laboratory Services, Illumina
Classification: Benign for Tibial muscular dystrophy. Last evaluated: 2018-01-13. Review status: criteria provided, single submitter. Criteria: ICSL Variant Classification Criteria 13 December 2019. Collection method: clinical testing. Allele origin: germline.
Comment: the same text as in the submission from Illumina Laboratory Services, Illumina above.

Illumina Laboratory Services, Illumina
Classification: Likely benign for Autosomal recessive limb-girdle muscular dystrophy type 2J. Last evaluated: 2018-01-13. Review status: criteria provided, single submitter. Criteria: ICSL Variant Classification Criteria 13 December 2019. Collection method: clinical testing. Allele origin: germline.
Comment: This variant was observed in the ICSL laboratory as part of a predisposition screen in an ostensibly healthy population. It had not been previously curated by ICSL or reported in the Human Gene Mutation Database (HGMD: prior to June 1st, 2018), and was therefore a candidate for classification through an automated scoring system. Utilizing variant allele frequency, disease prevalence and penetrance estimates, and inheritance mode, an automated score was calculated to assess if this variant is too frequent to cause the disease. Based on the score and internal cut-off values, a variant classified as likely benign is not then subjected to further curation. The score for this variant resulted in a classification of likely benign for this disease.

Illumina Laboratory Services, Illumina
Classification: Likely benign for Early-onset myopathy with fatal cardiomyopathy. Last evaluated: 2018-01-13. Review status: criteria provided, single submitter. Criteria: ICSL Variant Classification Criteria 13 December 2019. Collection method: clinical testing. Allele origin: germline.
Comment: the same text as in the submission from Illumina Laboratory Services, Illumina above.

Illumina Laboratory Services, Illumina
Classification: Likely benign for Dilated cardiomyopathy 1G. Last evaluated: 2018-01-13. Review status: criteria provided, single submitter. Criteria: ICSL Variant Classification Criteria 13 December 2019. Collection method: clinical testing. Allele origin: germline.
Comment: the same text as in the submission from Illumina Laboratory Services, Illumina above.

Genetic Services Laboratory, University of Chicago
Classification: Benign. Last evaluated: 2016-06-08. Review status: criteria provided, single submitter. Criteria: ACMG Guidelines, 2015. Collection method: clinical testing. Allele origin: germline. Affected: no.

GeneDx
Classification: Benign. Last evaluated: 2014-06-23. Review status: criteria provided, single submitter. Criteria: GeneDx Variant Classification (06012015). Collection method: clinical testing. Allele origin: germline. Affected: yes.
Comment: This variant is considered likely benign or benign based on one or more of the following criteria: it is a conservative change, it occurs at a poorly conserved position in the protein, it is predicted to be benign by multiple in silico algorithms, and/or has population frequency not consistent with disease.

Ambry Genetics
Classification: Benign for Cardiovascular phenotype. Last evaluated: 2013-09-18. Review status: criteria provided, single submitter. Criteria: Ambry Autosomal Dominant and X-Linked criteria (10/2015). Collection method: clinical testing. Allele origin: germline. Observed: 1 variant allele.

Laboratory for Molecular Medicine, Mass General Brigham Personalized Medicine
Classification: Benign. Last evaluated: 2012-03-15. Review status: criteria provided, single submitter. Criteria: LMM Criteria. Collection method: clinical testing. Allele origin: germline. Observed: 13 variant alleles.
Comment: Met5472Lys in exon 66 of TTN: This variant is not expected to have clinical sign ificance because it has been identified in 1.7% (55/3150) of African American ch romosomes from a broad population by the NHLBI Exome Sequencing Project (dbSNP rs28626194).

Breakthrough Genomics
Classification: Likely benign. Review status: criteria provided, single submitter. Criteria: ACMG Guidelines, 2015. Collection method: not provided. Allele origin: germline. Inheritance: Autosomal recessive inheritance. Affected: yes.

Clinical Genetics, Academic Medical Center
Classification: Benign. Review status: no assertion criteria provided. Collection method: clinical testing. Allele origin: germline. Affected: yes. Study: VKGL Data-share Consensus. Not counted in ClinVar's aggregate classification.

Laboratory of Diagnostic Genome Analysis, Leiden University Medical Center (LUMC)
Classification: Likely benign. Review status: no assertion criteria provided. Collection method: clinical testing. Allele origin: germline. Affected: yes. Study: VKGL Data-share Consensus. Not counted in ClinVar's aggregate classification.

NM_001267550.2(TTN):c.20147T>A (p.Met6716Lys)

Genes: TTN (titin; minus strand), LOC126806429 (BRD4-independent group 4 enhancer GRCh37_chr2:179591393-179592592; plus strand). Cytogenetic location: 2q31.2.
Variant type: single nucleotide variant.
Coding change: c.20147T>A on transcript NM_001267550.2 (MANE Select); coding-DNA position 20147, T replaced by A.
Protein change: p.Met6716Lys; replaces methionine 6716 with lysine.
Molecular consequence: missense variant. On other transcripts: intron variant (3).
Genome position (GRCh38, 1-based): chr2:178,727,218, A>T on the plus strand (T>A on the coding strand, the complement: TTN is on the minus strand). VCF-style: chr2-178727218-A-T. GRCh37 (hg19) VCF-style: chr2-179591945-A-T.
Other names: p.M6399K:ATG>AAG; c.19196T>A, p.Met6399Lys (NM_001256850.1); c.16415T>A, p.Met5472Lys (NM_133378.4); c.13282+10864T>A (NM_003319.4); c.13858+10864T>A (NM_133437.4); c.13657+10864T>A (NM_133432.3); short protein forms M6716K, M5472K, M6399K.
Identifiers: ClinVar variation 46666 (VCV000046666.43), dbSNP rs28626194, ClinGen allele CA282773.